The following is an entry in ClinVar:

NM_003019.5(SFTPD):c.297G>A (p.Lys99=)

Gene: SFTPD (surfactant protein D; minus strand). Cytogenetic location: 10q22.3.
Variant type: single nucleotide variant.
Coding change: c.297G>A on transcript NM_003019.5 (MANE Select); coding-DNA position 297, G replaced by A.
Protein change: p.Lys99=; no amino-acid change (lysine 99 retained).
Molecular consequence: synonymous variant.
Genome position (GRCh38, 1-based): chr10:79,942,782, C>T on the plus strand (G>A on the coding strand, the complement: SFTPD is on the minus strand). VCF-style: chr10-79942782-C-T. GRCh37 (hg19) VCF-style: chr10-81702538-C-T.
Identifiers: ClinVar variation 165217 (VCV000165217.6), dbSNP rs17885228, ClinGen allele CA214544.

ClinVar aggregate classification (germline): Benign. Review status: criteria provided, multiple submitters, no conflicts (2 of 4 stars). 2 submissions from 2 submitters: Benign (2). Last evaluated 2013-02-21.

Allele frequency attached by ClinVar (database versions not stated): ExAC 0.01843; gnomAD 0.03478 and 0.03306; gnomAD exomes 0.01690 and 0.01764; 1000 Genomes Project 0.02955; ESP Exome Variant Server 0.03891; 1000 Genomes Project 30x 0.03123; TOPMed 0.03593.
gnomAD v4.1: 30,049 of 1,612,094 alleles (1.9%); highest among the groups gnomAD compares: African/African-American, 7.6%; 454 homozygotes.

Submissions (2):

Laboratory for Molecular Medicine, Mass General Brigham Personalized Medicine
Classification: Benign. Last evaluated: 2013-02-21. Review status: criteria provided, single submitter. Criteria: LMM Criteria. Collection method: clinical testing. Allele origin: germline. Observed: 4 variant alleles.
Comment: Lys99Lys in exon 3 of SFTPD: This variant is not expected to have clinical signi ficance because it does not alter an amino acid residue and is not located withi n the splice consensus sequence. It has been identified in 7.5% (331/4406) of Af rican American chromosomes from a broad population by the NHLBI Exome Sequencing Project (dbSNP rs17885228).

Breakthrough Genomics
Classification: Benign. Review status: criteria provided, single submitter. Criteria: ACMG Guidelines, 2015. Collection method: not provided. Allele origin: germline. Inheritance: Unknown mechanism. Affected: yes.